The following is an entry in ClinVar:

NM_138694.4(PKHD1):c.5742del (p.Asn1915fs)

Gene: PKHD1 (PKHD1 ciliary IPT domain containing fibrocystin/polyductin; minus strand). Cytogenetic location: 6p12.2.
Variant type: Deletion.
Coding change: c.5742del on transcript NM_138694.4 (MANE Select); coding-DNA position 5742, one base deleted (G; older notation c.5742delG).
Protein change: p.Asn1915fs; shifts the reading frame from asparagine 1915.
Molecular consequence: frameshift variant.
Genome position (GRCh38, 1-based): chr6:52,010,318, C deleted on the plus strand (G on the coding strand, the reverse complement: PKHD1 is on the minus strand). VCF-style (leftmost placement, unchanged base first): chr6-52010317-TC-T. GRCh37 (hg19) VCF-style: chr6-51875115-TC-T.
Other names: c.5742del, p.Asn1915fs (NM_170724.3); short protein forms N1915fs.
Identifiers: ClinVar variation 2705510 (VCV002705510.3), dbSNP rs2481050528, ClinGen allele CA2697553480.

ClinVar aggregate classification (germline): Pathogenic (1 of 4 stars; one submission).

Conditions:
Autosomal recessive polycystic kidney disease (ARPKD). Also called: AR polycystic kidney disease. Identifiers: Orphanet 731, Orphanet 8378, MedGen C0085548, MeSH D017044, MONDO:0009889.

Submission:

Labcorp Genetics (formerly Invitae), Labcorp
Classification: Pathogenic for Autosomal recessive polycystic kidney disease. Last evaluated: 2023-12-25. Review status: criteria provided, single submitter. Criteria: Invitae Variant Classification Sherloc (09022015). Collection method: clinical testing. Allele origin: germline.
Comment: This sequence change creates a premature translational stop signal (p.Asn1915Thrfs*59) in the PKHD1 gene. It is expected to result in an absent or disrupted protein product. Loss-of-function variants in PKHD1 are known to be pathogenic (PMID: 19940839). This variant is not present in population databases (gnomAD no frequency). This variant has not been reported in the literature in individuals affected with PKHD1-related conditions. For these reasons, this variant has been classified as Pathogenic.

Literature cited by the submitters: PubMed 19940839.